The following is an entry in ClinVar:

NM_001166114.2(PNPLA6):c.3556A>T (p.Met1186Leu)

Gene: PNPLA6 (patatin like domain 6, lysophospholipase; plus strand). Cytogenetic location: 19p13.2.
Variant type: single nucleotide variant.
Coding change: c.3556A>T on transcript NM_001166114.2 (MANE Select); coding-DNA position 3556, A replaced by T.
Protein change: p.Met1186Leu; replaces methionine 1186 with leucine.
Molecular consequence: missense variant.
Genome position (GRCh38, 1-based): chr19:7,559,008, A>T. VCF-style: chr19-7559008-A-T. GRCh37 (hg19) VCF-style: chr19-7623894-A-T.
Other names: c.3586A>T, p.Met1196Leu (NM_001166111.2); c.3361A>T, p.Met1121Leu (NM_001166112.2); c.3442A>T, p.Met1148Leu (NM_001166113.1, NM_006702.5); short protein forms M1121L, M1148L, M1186L, M1196L.
Identifiers: ClinVar variation 2196331 (VCV002196331.4), dbSNP rs2512571222, ClinGen allele CA403135094.

ClinVar aggregate classification (germline): Uncertain significance (1 of 4 stars; one submission).

Conditions:
Hereditary spastic paraplegia 39 (SPG39). Also called: SPASTIC PARAPLEGIA 39, AUTOSOMAL RECESSIVE; Spastic Paraplegia Type 39 (SPG39). Identifiers: Orphanet 139480, MedGen C2677586, MONDO:0012787, OMIM 612020.

Submission:

Labcorp Genetics (formerly Invitae), Labcorp
Classification: Uncertain significance for Hereditary spastic paraplegia 39. Last evaluated: 2022-09-13. Review status: criteria provided, single submitter. Criteria: Invitae Variant Classification Sherloc (09022015). Collection method: clinical testing. Allele origin: germline.
Comment: This variant is not present in population databases (gnomAD no frequency). This sequence change replaces methionine, which is neutral and non-polar, with leucine, which is neutral and non-polar, at codon 1148 of the PNPLA6 protein (p.Met1148Leu). This variant has not been reported in the literature in individuals affected with PNPLA6-related conditions. Advanced modeling of protein sequence and biophysical properties (such as structural, functional, and spatial information, amino acid conservation, physicochemical variation, residue mobility, and thermodynamic stability) has been performed at Invitae for this missense variant, however the output from this modeling did not meet the statistical confidence thresholds required to predict the impact of this variant on PNPLA6 protein function. In summary, the available evidence is currently insufficient to determine the role of this variant in disease. Therefore, it has been classified as a Variant of Uncertain Significance.